The following is an entry in ClinVar:

NM_003896.4(ST3GAL5):c.79C>T (p.Arg27Ter)

Genes: ST3GAL5 (ST3 beta-galactoside alpha-2,3-sialyltransferase 5; minus strand), LOC129934236 (ATAC-STARR-seq lymphoblastoid silent region 11709; plus strand). Cytogenetic location: 2p11.2.
Variant type: single nucleotide variant.
Coding change: c.79C>T on transcript NM_003896.4 (MANE Select); coding-DNA position 79, C replaced by T.
Protein change: p.Arg27Ter; replaces arginine 27 with a stop codon.
Molecular consequence: nonsense. On other transcripts: 5 prime UTR variant (6).
Genome position (GRCh38, 1-based): chr2:85,888,827, G>A on the plus strand (C>T on the coding strand, the complement: ST3GAL5 is on the minus strand). VCF-style: chr2-85888827-G-A. GRCh37 (hg19) VCF-style: chr2-86115950-G-A.
Other names: c.-884C>T (NM_001354223.2); c.-546C>T (NM_001354224.2); c.-483C>T (NM_001354226.2); c.-193C>T (NM_001354227.2); c.-137C>T (NM_001354229.2); c.-923C>T (NM_001354233.2); c.79C>T, p.Arg27Ter (NM_001363847.1); short protein forms R27*.
Identifiers: ClinVar variation 959131 (VCV000959131.8), dbSNP rs1688068423, ClinGen allele CA347536062.

ClinVar aggregate classification (germline): Pathogenic (1 of 4 stars; one submission).

Conditions:
GM3 synthase deficiency (SPDRS). Also called: SALT AND PEPPER DEVELOPMENTAL REGRESSION SYNDROME; AMISH INFANTILE EPILEPSY SYNDROME; SALT AND PEPPER MENTAL RETARDATION SYNDROME. Identifiers: Orphanet 171714, Orphanet 370933, MedGen C1836824, MONDO:0018274, OMIM 609056.

Allele frequency attached by ClinVar (database versions not stated): TOPMed below 0.00001.

Submission:

Labcorp Genetics (formerly Invitae), Labcorp
Classification: Pathogenic for GM3 synthase deficiency. Last evaluated: 2022-08-16. Review status: criteria provided, single submitter. Criteria: Invitae Variant Classification Sherloc (09022015). Collection method: clinical testing. Allele origin: germline.
Comment: This sequence change creates a premature translational stop signal (p.Arg27*) in the ST3GAL5 gene. It is expected to result in an absent or disrupted protein product. Loss-of-function variants in ST3GAL5 are known to be pathogenic (PMID: 15502825, 22990144, 27232954). This variant is not present in population databases (gnomAD no frequency). This variant has not been reported in the literature in individuals affected with ST3GAL5-related conditions. ClinVar contains an entry for this variant (Variation ID: 959131). For these reasons, this variant has been classified as Pathogenic.

Literature cited by the submitters: PubMed 15502825; PubMed 22990144; PubMed 27232954.